The following is an entry in ClinVar:

NM_003816.3(ADAM9):c.1569A>G (p.Gln523=)

Gene: ADAM9 (ADAM metallopeptidase domain 9; plus strand). Cytogenetic location: 8p11.22.
Variant type: single nucleotide variant.
Coding change: c.1569A>G on transcript NM_003816.3 (MANE Select); coding-DNA position 1569, A replaced by G.
Protein change: p.Gln523=; no amino-acid change (glutamine 523 retained).
Molecular consequence: synonymous variant. On other transcripts: non-coding transcript variant (3).
Genome position (GRCh38, 1-based): chr8:39,055,750, A>G. VCF-style: chr8-39055750-A-G. GRCh37 (hg19) VCF-style: chr8-38913269-A-G.
Other names: c.1569A>G (NM_003816.2).
Identifiers: ClinVar variation 1077608 (VCV001077608.10), dbSNP rs376796967, ClinGen allele CA4721650.

ClinVar aggregate classification (germline): Likely benign. Review status: criteria provided, multiple submitters, no conflicts (2 of 4 stars). 3 submissions from 3 submitters: Likely benign (2). 1 of the submissions does not count toward it. Last evaluated 2025-10-24.

Conditions:
ADAM9-related disorder. Also called: ADAM9-related condition.

Allele frequency attached by ClinVar (database versions not stated): gnomAD exomes 0.00003 and 0.00014; ExAC 0.00005; gnomAD 0.00013 and 0.00014; TOPMed 0.00017.
gnomAD v4.1: 84 of 1,613,498 alleles (0.0052%); highest among the groups gnomAD compares: East Asian, 0.085%; no homozygotes.

Submissions (3):

Labcorp Genetics (formerly Invitae), Labcorp
Classification: Likely benign. Last evaluated: 2025-10-24. Review status: criteria provided, single submitter. Criteria: Invitae Variant Classification Sherloc (09022015). Collection method: clinical testing. Allele origin: germline.

Blueprint Genetics
Classification: Likely benign. Last evaluated: 2024-06-06. Review status: criteria provided, single submitter. Criteria: ACMG Guidelines, 2015. Collection method: clinical testing. Allele origin: germline.

PreventionGenetics, part of Exact Sciences
Classification: Likely benign for ADAM9-related condition. Last evaluated: 2019-10-22. Review status: no assertion criteria provided. Collection method: clinical testing. Allele origin: germline. Not counted in ClinVar's aggregate classification.
Comment: This variant is classified as likely benign based on ACMG/AMP sequence variant interpretation guidelines (Richards et al. 2015 PMID: 25741868, with internal and published modifications).